The following is an entry in ClinVar:

NM_020163.3(SEMA3G):c.115+7G>A

Gene: SEMA3G (semaphorin 3G; minus strand). Cytogenetic location: 3p21.1.
Variant type: single nucleotide variant.
Coding change: c.115+7G>A on transcript NM_020163.3 (MANE Select); 7 bases into the intron after coding-DNA position 115, G replaced by A.
Molecular consequence: intron variant.
Genome position (GRCh38, 1-based): chr3:52,444,906, C>T on the plus strand (G>A on the coding strand, the complement: SEMA3G is on the minus strand). VCF-style: chr3-52444906-C-T. GRCh37 (hg19) VCF-style: chr3-52478922-C-T.
Identifiers: ClinVar variation 3352569 (VCV003352569.1).

ClinVar aggregate classification (germline): Likely benign (0 of 4 stars; one submission).

Conditions:
SEMA3G-related disorder. Also called: SEMA3G-related condition.

Submission:

PreventionGenetics, part of Exact Sciences
Classification: Likely benign for SEMA3G-related condition. Last evaluated: 2023-02-15. Review status: no assertion criteria provided. Collection method: clinical testing. Allele origin: germline.
Comment: This variant is classified as likely benign based on ACMG/AMP sequence variant interpretation guidelines (Richards et al. 2015 PMID: 25741868, with internal and published modifications).